The following is an entry in ClinVar:

ClinVar aggregate classification (germline): Benign/Likely benign. Review status: criteria provided, multiple submitters, no conflicts (2 of 4 stars). 4 submissions from 4 submitters: Benign (1); Likely benign (3). Last evaluated 2025-11-10.

Conditions:
Hereditary cancer-predisposing syndrome. Also called: Neoplastic Syndromes, Hereditary; Hereditary neoplastic syndrome; Tumor predisposition; Hereditary Cancer Syndrome. Identifiers: Orphanet 140162, MedGen C0027672, MeSH D009386, MONDO:0015356.
Familial cancer of breast. Also called: Hereditary breast cancer; hereditary breast carcinoma; BREAST CANCER, FAMILIAL. Identifiers: Orphanet 227535, MedGen C0346153, MONDO:0016419, OMIM 114480. Disease mechanism: loss of function.
Fanconi anemia complementation group J. Also called: BRIP1-Related Fanconi Anemia. Identifiers: Orphanet 84, MedGen C1836860, MONDO:0012187, OMIM 609054.

Allele frequency attached by ClinVar (database versions not stated): gnomAD 0.00001; TOPMed 0.00001.
gnomAD v4.1: 3 of 1,613,860 alleles (0.00019%); highest among the groups gnomAD compares: Non-Finnish European, 0.00025%; no homozygotes.

Submissions (4):

Labcorp Genetics (formerly Invitae), Labcorp
Classification: Likely benign for Familial cancer of breast; Fanconi anemia complementation group J. Last evaluated: 2025-11-10. Review status: criteria provided, single submitter. Criteria: Invitae Variant Classification Sherloc (09022015). Collection method: clinical testing. Allele origin: germline.

Myriad Genetics, Inc.
Classification: Benign for Familial cancer of breast. Last evaluated: 2024-08-21. Review status: criteria provided, single submitter. Criteria: Myriad Autosomal Dominant, Autosomal Recessive and X-Linked Classification Criteria (2023). Collection method: clinical testing. Allele origin: unknown.
Comment: This variant is considered benign. This variant is a silent/synonymous amino acid change and it is not expected to impact splicing.

Ambry Genetics
Classification: Likely benign for Hereditary cancer-predisposing syndrome. Last evaluated: 2023-05-04. Review status: criteria provided, single submitter. Criteria: Ambry Variant Classification Scheme 2023. Collection method: clinical testing. Allele origin: germline.

Breakthrough Genomics
Classification: Likely benign. Review status: criteria provided, single submitter. Criteria: ACMG Guidelines, 2015. Collection method: not provided. Allele origin: germline. Inheritance: Autosomal dominant inheritance. Affected: yes.

NM_032043.3(BRIP1):c.303C>T (p.Asn101=)

Gene: BRIP1 (BRCA1 interacting DNA helicase 1; minus strand). Cytogenetic location: 17q23.2.
Variant type: single nucleotide variant.
Coding change: c.303C>T on transcript NM_032043.3 (MANE Select); coding-DNA position 303, C replaced by T.
Protein change: p.Asn101=; no amino-acid change (asparagine 101 retained).
Molecular consequence: synonymous variant.
Genome position (GRCh38, 1-based): chr17:61,857,134, G>A on the plus strand (C>T on the coding strand, the complement: BRIP1 is on the minus strand). VCF-style: chr17-61857134-G-A. GRCh37 (hg19) VCF-style: chr17-59934495-G-A.
Identifiers: ClinVar variation 792943 (VCV000792943.15), dbSNP rs1425170841, ClinGen allele CA501151393.